The following is an entry in ClinVar:

ClinVar aggregate classification (germline): Uncertain significance. Review status: criteria provided, multiple submitters, no conflicts (2 of 4 stars). 2 submissions from 2 submitters: Uncertain significance (2). Last evaluated 2022-10-06.

Conditions:
Inborn genetic diseases. Identifiers: MedGen C0950123, MeSH D030342.

Allele frequency attached by ClinVar (database versions not stated): gnomAD 0.00002; TOPMed 0.00003.
gnomAD v4.1: 39 of 1,613,232 alleles (0.0024%); highest among the groups gnomAD compares: South Asian, 0.015%; no homozygotes.

Submissions (2):

Ambry Genetics
Classification: Uncertain significance for Inborn genetic diseases. Last evaluated: 2022-10-06. Review status: criteria provided, single submitter. Criteria: Ambry Variant Classification Scheme 2023. Collection method: clinical testing. Allele origin: germline.

Labcorp Genetics (formerly Invitae), Labcorp
Classification: Uncertain significance. Last evaluated: 2022-03-20. Review status: criteria provided, single submitter. Criteria: Invitae Variant Classification Sherloc (09022015). Collection method: clinical testing. Allele origin: germline.
Comment: This sequence change replaces arginine, which is basic and polar, with glutamine, which is neutral and polar, at codon 369 of the C9 protein (p.Arg369Gln). This variant is present in population databases (rs769441512, gnomAD 0.01%). This variant has not been reported in the literature in individuals affected with C9-related conditions. Algorithms developed to predict the effect of missense changes on protein structure and function output the following: SIFT: "Not Available"; PolyPhen-2: "Benign"; Align-GVGD: "Not Available". The glutamine amino acid residue is found in multiple mammalian species, which suggests that this missense change does not adversely affect protein function. In summary, the available evidence is currently insufficient to determine the role of this variant in disease. Therefore, it has been classified as a Variant of Uncertain Significance.

NM_001737.5(C9):c.1106G>A (p.Arg369Gln)

Gene: C9 (complement C9; minus strand). Cytogenetic location: 5p13.1.
Variant type: single nucleotide variant.
Coding change: c.1106G>A on transcript NM_001737.5 (MANE Select); coding-DNA position 1106, G replaced by A.
Protein change: p.Arg369Gln; replaces arginine 369 with glutamine.
Molecular consequence: missense variant.
Genome position (GRCh38, 1-based): chr5:39,311,142, C>T on the plus strand (G>A on the coding strand, the complement: C9 is on the minus strand). VCF-style: chr5-39311142-C-T. GRCh37 (hg19) VCF-style: chr5-39311244-C-T.
Other names: c.1106G>A (NM_001737.3); short protein forms R369Q.
Identifiers: ClinVar variation 1513936 (VCV001513936.6), dbSNP rs769441512, ClinGen allele CA3246804.
Genomic context (GRCh38, chr5:39,311,142, plus strand): 5'-AAATAATGTTTGGTCAAAACAGTATTTGAAGTCAGAGCTCTATTTCTAGGCATACCTTTC[C>T]GCTTCATGGAAGCTTTATCCAAAACATATATTAGTTCATAGAGTCCTCCTAGAGACCCAG-3'
Protein context (NP_001728.1, residues 359-379): IYVLDKASMK[Arg369Gln]KGVELKDIKR